The following is an entry in ClinVar:

ClinVar aggregate classification (germline): Pathogenic. Review status: criteria provided, multiple submitters, no conflicts (2 of 4 stars). 2 submissions from 2 submitters: Pathogenic (2). Last evaluated 2023-06-26.

Conditions:
Hereditary cancer-predisposing syndrome. Also called: Neoplastic Syndromes, Hereditary; Tumor predisposition; Hereditary neoplastic syndrome; Hereditary Cancer Syndrome. Identifiers: Orphanet 140162, MedGen C0027672, MeSH D009386, MONDO:0015356.
Familial cancer of breast. Also called: BREAST CANCER, FAMILIAL; Hereditary breast cancer; hereditary breast carcinoma. Identifiers: Orphanet 227535, MedGen C0346153, MONDO:0016419, OMIM 114480. Disease mechanism: loss of function.

Submissions (2):

Myriad Genetics, Inc.
Classification: Pathogenic for Familial cancer of breast. Last evaluated: 2023-06-26. Review status: criteria provided, single submitter. Criteria: Myriad Autosomal Dominant, Autosomal Recessive and X-Linked Classification Criteria (2023). Collection method: clinical testing. Allele origin: unknown.
Comment: This variant is considered pathogenic. This variant creates a frameshift predicted to result in premature protein truncation.

Ambry Genetics
Classification: Pathogenic for Hereditary cancer-predisposing syndrome. Last evaluated: 2019-09-06. Review status: criteria provided, single submitter. Criteria: Ambry Variant Classification Scheme 2023. Collection method: clinical testing. Allele origin: germline.
Comment: The c.514dupA pathogenic mutation, located in coding exon 3 of the CHEK2 gene, results from a duplication of A at nucleotide position 514, causing a translational frameshift with a predicted alternate stop codon (p.T172Nfs*14). This alteration is expected to result in loss of function by premature protein truncation or nonsense-mediated mRNA decay. As such, this alteration is interpreted as a disease-causing mutation.

NM_007194.4(CHEK2):c.514dup (p.Thr172fs)

Gene: CHEK2 (checkpoint kinase 2; minus strand). Cytogenetic location: 22q12.1.
Variant type: Duplication.
Coding change: c.514dup on transcript NM_007194.4 (MANE Select); coding-DNA position 514, one base duplicated (A; older notation c.514dupA).
Protein change: p.Thr172fs; shifts the reading frame from threonine 172.
Molecular consequence: frameshift variant. On other transcripts: 5 prime UTR variant (2), intron variant (1).
Genome position (GRCh38, 1-based): chr22:28,725,055, T duplicated on the plus strand (A on the coding strand, the reverse complement: CHEK2 is on the minus strand). VCF-style (leftmost placement, unchanged base first): chr22-28725054-G-GT. GRCh37 (hg19) VCF-style: chr22-29121042-G-GT.
Other names: c.643dup, p.Thr215fs (NM_001005735.3, NM_001438294.1); c.-264dup (NM_001257387.3); c.-150dup (NM_001437942.1); c.607dup, p.Thr203fs (NM_001438293.1, NM_001438295.1); c.514dup, p.Thr172fs (NM_145862.3); c.445-132dup (NM_001349956.3); short protein forms T172fs, T215fs, T203fs.
Identifiers: ClinVar variation 825479 (VCV000825479.6), dbSNP rs1601823546, ClinGen allele CA915952736.
Genomic context (GRCh38, chr22:28,725,054, plus strand): 5'-GACAGTGCAATTTCAGAATTGTTATTCAAAGGACGGCGTTTTCCTTTCCCTACAAGCTCT[G>GT]TATTTACAAAGGTTCCATTGCCACTGTGATCTTCTATGTATGCAATGTAAGAGTTTTTAG-3'